The following is an entry in ClinVar:

NM_003190.5(TAPBP):c.796G>A (p.Glu266Lys)

Gene: TAPBP (TAP binding protein; minus strand). Cytogenetic location: 6p21.32.
Variant type: single nucleotide variant.
Coding change: c.796G>A on transcript NM_003190.5 (MANE Select); coding-DNA position 796, G replaced by A.
Protein change: p.Glu266Lys; replaces glutamic acid 266 with lysine.
Molecular consequence: missense variant.
Genome position (GRCh38, 1-based): chr6:33,305,061, C>T on the plus strand (G>A on the coding strand, the complement: TAPBP is on the minus strand). VCF-style: chr6-33305061-C-T. GRCh37 (hg19) VCF-style: chr6-33272838-C-T.
Other names: c.796G>A, p.Glu266Lys (NM_172208.3); c.535G>A, p.Glu179Lys (NM_172209.3); short protein forms E179K, E266K.
Identifiers: ClinVar variation 859173 (VCV000859173.9), dbSNP rs370619502, ClinGen allele CA3755805.
Genomic context (GRCh38, chr6:33,305,061, plus strand): 5'-GCTCCAGGGTGACCTGTCCTTGCAGGTATGGCAGGTGTATGGTGGCCAGATAGGTGCCCT[C>T]CTGAAAGGGTTGAACTGTAGGCAGCCAGAAGGTCCCATTTCCGGTCCATGGGCCCCATGG-3'
Protein context (NP_003181.3, residues 256-276): FWLPTVQPFQ[Glu266Lys]GTYLATIHLP

ClinVar aggregate classification (germline): Uncertain significance (1 of 4 stars; one submission).

Conditions:
MHC class I deficiency. Identifiers: Orphanet 34592, MedGen C6024714, MONDO:0011476.

Allele frequency attached by ClinVar (database versions not stated): gnomAD 0.00003; ExAC 0.00001; ESP Exome Variant Server 0.00015; gnomAD exomes below 0.00001; TOPMed 0.00003.

Submission:

Labcorp Genetics (formerly Invitae), Labcorp
Classification: Uncertain significance for MHC class I deficiency 1. Last evaluated: 2025-10-01. Review status: criteria provided, single submitter. Criteria: Invitae Variant Classification Sherloc (09022015). Collection method: clinical testing. Allele origin: germline.
Comment: This sequence change replaces glutamic acid, which is acidic and polar, with lysine, which is basic and polar, at codon 266 of the TAPBP protein (p.Glu266Lys). This variant is present in population databases (rs370619502, gnomAD 0.008%). This variant has not been reported in the literature in individuals affected with TAPBP-related conditions. ClinVar contains an entry for this variant (Variation ID: 859173). An algorithm developed to predict the effect of missense changes on protein structure and function (PolyPhen-2) suggests that this variant is likely to be disruptive. In summary, the available evidence is currently insufficient to determine the role of this variant in disease. Therefore, it has been classified as a Variant of Uncertain Significance.